The following is an entry in ClinVar:

NM_001318510.2(ACSL4):c.802del (p.Leu268fs)

Gene: ACSL4 (acyl-CoA synthetase long chain family member 4; minus strand). Cytogenetic location: Xq23.
Variant type: Deletion.
Coding change: c.802del on transcript NM_001318510.2 (MANE Select); coding-DNA position 802, one base deleted (C; older notation c.802delC).
Protein change: p.Leu268fs; shifts the reading frame from leucine 268.
Molecular consequence: frameshift variant.
Genome position (GRCh38, 1-based): chrX:109,678,269, G deleted on the plus strand (C on the coding strand, the reverse complement: ACSL4 is on the minus strand). VCF-style (leftmost placement, unchanged base first): chrX-109678268-AG-A. GRCh37 (hg19) VCF-style: chrX-108921497-AG-A.
Other names: c.925del, p.Leu309fs (NM_001318509.2, NM_022977.3); c.802del, p.Leu268fs (NM_004458.3); short protein forms L268fs, L309fs.
Identifiers: ClinVar variation 1675197 (VCV001675197.2), dbSNP rs2147437405, ClinGen allele CA2573159133.

ClinVar aggregate classification (germline): Pathogenic (1 of 4 stars; one submission).

Conditions:
Intellectual developmental disorder, X-linked 63. Also called: MENTAL RETARDATION, X-LINKED 68; Intellectual disability, X-linked 63. Identifiers: Orphanet 777, MedGen C1845672, MONDO:0010313, OMIM 300387.

Submission:

Centre of Medical Genetics, University Hospital Muenster
Classification: Pathogenic for Intellectual developmental disorder, X-linked 63. Last evaluated: 2022-03-11. Review status: criteria provided, single submitter. Criteria: ACMG Guidelines, 2015. Collection method: clinical testing. Allele origin: germline. Affected: yes. Observed: 1 variant allele, 1 homozygote.
Comment: ACMG categories: PVS1,PS5,PM2